The following is an entry in ClinVar:

NM_004006.3(DMD):c.9224+6T>A

Gene: DMD (dystrophin; minus strand). Cytogenetic location: Xp21.2.
Variant type: single nucleotide variant.
Coding change: c.9224+6T>A on transcript NM_004006.3 (MANE Select); 6 bases into the intron after coding-DNA position 9224, T replaced by A.
Molecular consequence: intron variant.
Genome position (GRCh38, 1-based): chrX:31,323,592, A>T on the plus strand (T>A on the coding strand, the complement: DMD is on the minus strand). VCF-style: chrX-31323592-A-T. GRCh37 (hg19) VCF-style: chrX-31341709-A-T.
Other names: c.9200+6T>A (NM_000109.4); c.5201+6T>A (NM_004011.4); c.5192+6T>A (NM_004012.4); c.1844+6T>A (NM_004023.3, NM_004020.4, NM_004022.3 and 2 more transcripts); c.1037+6T>A (NM_004014.3); c.9212+6T>A (NM_004009.3); c.8855+6T>A (NM_004010.3).
Identifiers: ClinVar variation 3018828 (VCV003018828.3), dbSNP rs2148296551, ClinGen allele CA2693388316.

ClinVar aggregate classification (germline): Uncertain significance (1 of 4 stars; one submission).

Conditions:
Duchenne muscular dystrophy (DMD). Also called: MUSCULAR DYSTROPHY, PSEUDOHYPERTROPHIC PROGRESSIVE, DUCHENNE TYPE; Duchenne Muscular Dystrophy (DMD). Identifiers: Orphanet 98896, MedGen C0013264, MONDO:0010679, OMIM 310200.

Submission:

Labcorp Genetics (formerly Invitae), Labcorp
Classification: Uncertain significance for Duchenne muscular dystrophy. Last evaluated: 2024-01-22. Review status: criteria provided, single submitter. Criteria: Invitae Variant Classification Sherloc (09022015). Collection method: clinical testing. Allele origin: germline.
Comment: This sequence change falls in intron 62 of the DMD gene. It does not directly change the encoded amino acid sequence of the DMD protein. It affects a nucleotide within the consensus splice site. This variant is not present in population databases (gnomAD no frequency). This variant has not been reported in the literature in individuals affected with DMD-related conditions. Variants that disrupt the consensus splice site are a relatively common cause of aberrant splicing (PMID: 17576681, 9536098). Algorithms developed to predict the effect of sequence changes on RNA splicing suggest that this variant may disrupt the consensus splice site. In summary, the available evidence is currently insufficient to determine the role of this variant in disease. Therefore, it has been classified as a Variant of Uncertain Significance.

Literature cited by the submitters: PubMed 17576681; PubMed 9536098.